The following is an entry in ClinVar:

NM_001844.5(COL2A1):c.3605del (p.Pro1202fs)

Gene: COL2A1 (collagen type II alpha 1 chain; minus strand). Cytogenetic location: 12q13.11.
Variant type: Deletion.
Coding change: c.3605del on transcript NM_001844.5 (MANE Select); coding-DNA position 3605, one base deleted (C; older notation c.3605delC).
Protein change: p.Pro1202fs; shifts the reading frame from proline 1202.
Molecular consequence: frameshift variant.
Genome position (GRCh38, 1-based): chr12:47,975,598, G deleted on the plus strand (C on the coding strand, the reverse complement: COL2A1 is on the minus strand); the first of 2 consecutive G bases (chr12:47,975,598-47,975,599); deleting either gives the same sequence. VCF-style (leftmost placement, unchanged base first): chr12-47975597-AG-A. GRCh37 (hg19) VCF-style: chr12-48369380-AG-A.
Other names: c.3398del, p.Pro1133fs (NM_033150.3); short protein forms P1202fs, P1133fs.
Identifiers: ClinVar variation 4732479 (VCV004732479.1).
Genomic context (GRCh38, chr12:47,975,597, plus strand): 5'-GGCGGACATGTCGATGCCAGGGCCAGGGGGACCTGGAGGACCAGGGGGTCCAGGATTTCC[AG>A]GAGGACCCTGCAGCAGGAAACAGAGAGATCAGCCAGGATTGTGTGAAAGTGCCCCTCCAT-3'

ClinVar aggregate classification (germline): Pathogenic (1 of 4 stars; one submission).

Submission:

Labcorp Genetics (formerly Invitae), Labcorp
Classification: Pathogenic. Last evaluated: 2025-12-09. Review status: criteria provided, single submitter. Criteria: Invitae Variant Classification Sherloc (09022015). Collection method: clinical testing. Allele origin: germline.
Comment: This sequence change creates a premature translational stop signal (p.Pro1202Leufs*25) in the COL2A1 gene. It is expected to result in an absent or disrupted protein product. Loss-of-function variants in COL2A1 are known to be pathogenic (PMID: 20179744). This variant is not present in population databases (gnomAD no frequency). This variant has not been reported in the literature in individuals affected with COL2A1-related conditions. For these reasons, this variant has been classified as Pathogenic.

Literature cited by the submitters: PubMed 20179744.